The following is an entry in ClinVar:

ClinVar aggregate classification (germline): Uncertain significance. Review status: criteria provided, multiple submitters, no conflicts (2 of 4 stars). 2 submissions from 2 submitters: Uncertain significance (2). Last evaluated 2025-08-15.

Conditions:
DLC1-related disorder. Also called: DLC1-related condition.

gnomAD v4.1: 56 of 1,614,038 alleles (0.0035%); highest among the groups gnomAD compares: South Asian, 0.043%; no homozygotes.

Submissions (2):

Labcorp Genetics (formerly Invitae), Labcorp
Classification: Uncertain significance. Last evaluated: 2025-08-15. Review status: criteria provided, single submitter. Criteria: Invitae Variant Classification Sherloc (09022015). Collection method: clinical testing. Allele origin: germline.
Comment: This sequence change replaces serine, which is neutral and polar, with tryptophan, which is neutral and slightly polar, at codon 1349 of the DLC1 protein (p.Ser1349Trp). This variant is present in population databases (rs139251311, gnomAD 0.05%). This variant has not been reported in the literature in individuals affected with DLC1-related conditions. ClinVar contains an entry for this variant (Variation ID: 2636814). An algorithm developed to predict the effect of missense changes on protein structure and function (PolyPhen-2) suggests that this variant is likely to be disruptive. In summary, the available evidence is currently insufficient to determine the role of this variant in disease. Therefore, it has been classified as a Variant of Uncertain Significance.

PreventionGenetics, part of Exact Sciences
Classification: Uncertain significance for DLC1-related condition. Last evaluated: 2023-01-10. Review status: criteria provided, single submitter. Criteria: ACMG Guidelines, 2015. Collection method: clinical testing. Allele origin: germline.
Comment: The DLC1 c.4046C>G variant is predicted to result in the amino acid substitution p.Ser1349Trp. To our knowledge, this variant has not been reported in the literature. This variant is reported in 0.052% of alleles in individuals of South Asian descent in gnomAD. At this time, the clinical significance of this variant is uncertain due to the absence of conclusive functional and genetic evidence.

NM_182643.3(DLC1):c.4046C>G (p.Ser1349Trp)

Genes: DLC1 (DLC1 Rho GTPase activating protein; minus strand), LOC126860305 (MED14-independent group 3 enhancer GRCh37_chr8:12947375-12948574; plus strand). Cytogenetic location: 8p22.
Variant type: single nucleotide variant.
Coding change: c.4046C>G on transcript NM_182643.3 (MANE Select); coding-DNA position 4046, C replaced by G.
Protein change: p.Ser1349Trp; replaces serine 1349 with tryptophan.
Molecular consequence: missense variant. On other transcripts: intron variant (2).
Genome position (GRCh38, 1-based): chr8:13,090,280, G>C on the plus strand (C>G on the coding strand, the complement: DLC1 is on the minus strand). VCF-style: chr8-13090280-G-C. GRCh37 (hg19) VCF-style: chr8-12947789-G-C.
Other names: c.2735C>G, p.Ser912Trp (NM_001413135.1, NM_001413139.1, NM_006094.5); c.2486C>G, p.Ser829Trp (NM_001413137.1, NM_001413131.1); c.2513C>G, p.Ser838Trp (NM_001413138.1, NM_001164271.2, NM_001348082.2 and 6 more transcripts); c.2870C>G, p.Ser957Trp (NM_001413140.1); c.2646+1038C>G (NM_001413129.1); c.2544+1038C>G (NM_001413136.1); c.2837C>G, p.Ser946Trp (NM_001316668.2); c.4046C>G, p.Ser1349Trp (NM_001348081.2, NM_001413124.1); and 2 more; short protein forms S1349W, S829W, S838W, S912W, S943W, S946W, S957W, S991W.
Identifiers: ClinVar variation 2636814 (VCV002636814.4), dbSNP rs139251311, ClinGen allele CA4638070.